The following is an entry in ClinVar:

ClinVar aggregate classification (germline): Benign/Likely benign. Review status: criteria provided, multiple submitters, no conflicts (2 of 4 stars). 6 submissions from 6 submitters: Benign (1); Likely benign (5). Last evaluated 2025-02-25.

Conditions:
Familial cancer of breast. Also called: BREAST CANCER, FAMILIAL; hereditary breast carcinoma; Hereditary breast cancer. Identifiers: Orphanet 227535, MedGen C0346153, MONDO:0016419, OMIM 114480. Disease mechanism: loss of function.
Fanconi anemia complementation group J. Also called: BRIP1-Related Fanconi Anemia. Identifiers: Orphanet 84, MedGen C1836860, MONDO:0012187, OMIM 609054.
Hereditary cancer-predisposing syndrome. Also called: Neoplastic Syndromes, Hereditary; Hereditary neoplastic syndrome; Tumor predisposition; Hereditary Cancer Syndrome. Identifiers: Orphanet 140162, MedGen C0027672, MeSH D009386, MONDO:0015356.

Allele frequency attached by ClinVar (database versions not stated): TOPMed below 0.00001.

Submissions (6):

Labcorp Genetics (formerly Invitae), Labcorp
Classification: Likely benign for Familial cancer of breast; Fanconi anemia complementation group J. Last evaluated: 2025-02-25. Review status: criteria provided, single submitter. Criteria: Invitae Variant Classification Sherloc (09022015). Collection method: clinical testing. Allele origin: germline.

Myriad Genetics, Inc.
Classification: Benign for Familial cancer of breast. Last evaluated: 2024-09-03. Review status: criteria provided, single submitter. Criteria: Myriad Autosomal Dominant, Autosomal Recessive and X-Linked Classification Criteria (2023). Collection method: clinical testing. Allele origin: unknown.
Comment: This variant is considered benign. This variant is a silent/synonymous amino acid change and it is not expected to impact splicing.

Women's Health and Genetics/Laboratory Corporation of America, LabCorp
Classification: Likely benign. Last evaluated: 2019-08-28. Review status: criteria provided, single submitter. Criteria: LabCorp Variant Classification Summary - May 2015. Collection method: clinical testing. Allele origin: germline.

Color Diagnostics, LLC DBA Color Health
Classification: Likely benign for Hereditary cancer-predisposing syndrome. Last evaluated: 2017-03-29. Review status: criteria provided, single submitter. Criteria: ACMG Guidelines, 2015. Collection method: clinical testing. Allele origin: germline.

GeneDx
Classification: Likely benign. Last evaluated: 2017-02-17. Review status: criteria provided, single submitter. Criteria: GeneDx Variant Classification (06012015). Collection method: clinical testing. Allele origin: germline. Affected: yes.
Comment: This variant is considered likely benign or benign based on one or more of the following criteria: it is a conservative change, it occurs at a poorly conserved position in the protein, it is predicted to be benign by multiple in silico algorithms, and/or has population frequency not consistent with disease.

Ambry Genetics
Classification: Likely benign for Hereditary cancer-predisposing syndrome. Last evaluated: 2016-05-13. Review status: criteria provided, single submitter. Criteria: Ambry Variant Classification Scheme 2023. Collection method: clinical testing. Allele origin: germline.

NM_032043.3(BRIP1):c.2223G>T (p.Val741=)

Gene: BRIP1 (BRCA1 interacting DNA helicase 1; minus strand). Cytogenetic location: 17q23.2.
Variant type: single nucleotide variant.
Coding change: c.2223G>T on transcript NM_032043.3 (MANE Select); coding-DNA position 2223, G replaced by T.
Protein change: p.Val741=; no amino-acid change (valine 741 retained).
Molecular consequence: synonymous variant.
Genome position (GRCh38, 1-based): chr17:61,744,466, C>A on the plus strand (G>T on the coding strand, the complement: BRIP1 is on the minus strand). VCF-style: chr17-61744466-C-A. GRCh37 (hg19) VCF-style: chr17-59821827-C-A.
Identifiers: ClinVar variation 388088 (VCV000388088.21), dbSNP rs1057522996, ClinGen allele CA16608569.